The following is an entry in ClinVar:

ClinVar aggregate classification (germline): Uncertain significance (1 of 4 stars; one submission).

Conditions:
Mucopolysaccharidosis, MPS-III-B (MPS3B). Also called: N-ACETYL-ALPHA-D-GLUCOSAMINIDASE DEFICIENCY; NAGLU DEFICIENCY; SANFILIPPO SYNDROME B; MPS III B; Mucopolysaccharidosis type IIIB (Sanfilippo B); MPS IIIB (Sanfilippo Syndrome Type B). Identifiers: Orphanet 79270, MedGen C0086648, MONDO:0009656, OMIM 252920.
Charcot-Marie-Tooth disease axonal type 2V. Also called: CHARCOT-MARIE-TOOTH NEUROPATHY, TYPE 2V; CHARCOT-MARIE-TOOTH DISEASE, AXONAL, AUTOSOMAL DOMINANT, TYPE 2V. Identifiers: Orphanet 447964, MedGen C5569050, MONDO:0014665, OMIM 616491.

Allele frequency attached by ClinVar (database versions not stated): gnomAD 0.00001; ESP Exome Variant Server 0.00008.
gnomAD v4.1: 1 of 1,613,888 alleles (0.000062%); highest among the groups gnomAD compares: African/African-American, 0.0013%; no homozygotes.

Submission:

Labcorp Genetics (formerly Invitae), Labcorp
Classification: Uncertain significance for Charcot-Marie-Tooth disease axonal type 2V; Mucopolysaccharidosis, MPS-III-B. Last evaluated: 2022-03-27. Review status: criteria provided, single submitter. Criteria: Invitae Variant Classification Sherloc (09022015). Collection method: clinical testing. Allele origin: germline.
Comment: This sequence change replaces isoleucine, which is neutral and non-polar, with valine, which is neutral and non-polar, at codon 690 of the NAGLU protein (p.Ile690Val). This variant is not present in population databases (gnomAD no frequency). This variant has not been reported in the literature in individuals affected with NAGLU-related conditions. Advanced modeling of protein sequence and biophysical properties (such as structural, functional, and spatial information, amino acid conservation, physicochemical variation, residue mobility, and thermodynamic stability) performed at Invitae indicates that this missense variant is not expected to disrupt NAGLU protein function. In summary, the available evidence is currently insufficient to determine the role of this variant in disease. Therefore, it has been classified as a Variant of Uncertain Significance.

NM_000263.4(NAGLU):c.2068A>G (p.Ile690Val)

Gene: NAGLU (N-acetyl-alpha-glucosaminidase; plus strand). Cytogenetic location: 17q21.2.
Variant type: single nucleotide variant.
Coding change: c.2068A>G on transcript NM_000263.4 (MANE Select); coding-DNA position 2068, A replaced by G.
Protein change: p.Ile690Val; replaces isoleucine 690 with valine.
Molecular consequence: missense variant.
Genome position (GRCh38, 1-based): chr17:42,544,074, A>G. VCF-style: chr17-42544074-A-G. GRCh37 (hg19) VCF-style: chr17-40696092-A-G.
Other names: short protein forms I690V.
Identifiers: ClinVar variation 1991564 (VCV001991564.1), dbSNP rs143906118, ClinGen allele CA290781207.